The following is an entry in ClinVar:

ClinVar aggregate classification (germline): Pathogenic (1 of 4 stars; one submission).

Submission:

Labcorp Genetics (formerly Invitae), Labcorp
Classification: Pathogenic. Last evaluated: 2023-01-19. Review status: criteria provided, single submitter. Criteria: Invitae Variant Classification Sherloc (09022015). Collection method: clinical testing. Allele origin: germline.
Comment: This sequence change creates a premature translational stop signal (p.Gln514Argfs*71) in the ADAMTSL4 gene. It is expected to result in an absent or disrupted protein product. Loss-of-function variants in ADAMTSL4 are known to be pathogenic (PMID: 20564469, 28642162). This variant is not present in population databases (gnomAD no frequency). This variant has not been reported in the literature in individuals affected with ADAMTSL4-related conditions. For these reasons, this variant has been classified as Pathogenic.

Literature cited by the submitters: PubMed 20564469; PubMed 28642162.

NM_019032.6(ADAMTSL4):c.1540del (p.Gln514fs)

Genes: ADAMTSL4 (ADAMTS like 4; plus strand), ADAMTSL4-AS2 (ADAMTSL4 antisense RNA 2; minus strand). Cytogenetic location: 1q21.2.
Variant type: Deletion.
Coding change: c.1540del on transcript NM_019032.6 (MANE Select); coding-DNA position 1540, one base deleted (C; older notation c.1540delC).
Protein change: p.Gln514fs; shifts the reading frame from glutamine 514.
Molecular consequence: frameshift variant.
Genome position (GRCh38, 1-based): chr1:150,556,330, C deleted; the last of 2 consecutive C bases (chr1:150,556,329-150,556,330); deleting either gives the same sequence. VCF-style (leftmost placement, unchanged base first): chr1-150556328-TC-T. GRCh37 (hg19) VCF-style: chr1-150528804-TC-T.
Other names: c.1609del, p.Gln537fs (NM_001288607.2, NM_001288608.2); c.1540del, p.Gln514fs (NM_001378596.1, NM_025008.5); short protein forms Q537fs, Q514fs.
Identifiers: ClinVar variation 2807841 (VCV002807841.3), dbSNP rs2526695830, ClinGen allele CA2647815454.